The following is an entry in ClinVar:

ClinVar aggregate classification (germline): Uncertain significance. Review status: criteria provided, multiple submitters, no conflicts (2 of 4 stars). 2 submissions from 2 submitters: Uncertain significance (2). Last evaluated 2026-09-11.

Conditions:
UNC80-related disorder. Also called: UNC80-related condition.

Allele frequency attached by ClinVar (database versions not stated): gnomAD 0.00001; gnomAD exomes 0.00001; TOPMed 0.00002.
gnomAD v4.1: 4 of 1,551,076 alleles (0.00026%); highest among the groups gnomAD compares: Admixed American, 0.0079%; no homozygotes.

Submissions (2):

PreventionGenetics, part of Exact Sciences
Classification: Uncertain significance for UNC80-related condition. Last evaluated: 2026-09-11. Review status: criteria provided, single submitter. Criteria: ACMG Guidelines, 2015. Collection method: clinical testing. Allele origin: germline.
Comment: The UNC80 c.2176A>G variant is predicted to result in the amino acid substitution p.Thr726Ala. To our knowledge, this variant has not been reported in the literature. This variant is reported in 0.0081% of alleles in individuals of Latino descent in gnomAD. At this time, the clinical significance of this variant is uncertain due to the absence of conclusive functional and genetic evidence.

Labcorp Genetics (formerly Invitae), Labcorp
Classification: Uncertain significance. Last evaluated: 2024-05-29. Review status: criteria provided, single submitter. Criteria: Invitae Variant Classification Sherloc (09022015). Collection method: clinical testing. Allele origin: germline.
Comment: This sequence change replaces threonine, which is neutral and polar, with alanine, which is neutral and non-polar, at codon 726 of the UNC80 protein (p.Thr726Ala). This variant is present in population databases (no rsID available, gnomAD 0.008%). This variant has not been reported in the literature in individuals affected with UNC80-related conditions. ClinVar contains an entry for this variant (Variation ID: 1473515). Algorithms developed to predict the effect of missense changes on protein structure and function output the following: SIFT: "Not Available"; PolyPhen-2: "Benign"; Align-GVGD: "Not Available". The alanine amino acid residue is found in multiple mammalian species, which suggests that this missense change does not adversely affect protein function. In summary, the available evidence is currently insufficient to determine the role of this variant in disease. Therefore, it has been classified as a Variant of Uncertain Significance.

NM_001371986.1(UNC80):c.2176A>G (p.Thr726Ala)

Gene: UNC80 (unc-80 subunit of NALCN channel complex; plus strand). Cytogenetic location: 2q34.
Variant type: single nucleotide variant.
Coding change: c.2176A>G on transcript NM_001371986.1 (MANE Select); coding-DNA position 2176, A replaced by G.
Protein change: p.Thr726Ala; replaces threonine 726 with alanine.
Molecular consequence: missense variant.
Genome position (GRCh38, 1-based): chr2:209,820,524, A>G. VCF-style: chr2-209820524-A-G. GRCh37 (hg19) VCF-style: chr2-210685248-A-G.
Other names: c.2176A>G, p.Thr726Ala (NM_032504.2, NM_182587.4); c.2176A>G (NM_032504.1); short protein forms T726A.
Identifiers: ClinVar variation 1473515 (VCV001473515.8), dbSNP rs1416240323, ClinGen allele CA350136826.